The following is an entry in ClinVar:

ClinVar aggregate classification (germline): Uncertain significance (1 of 4 stars; one submission).

Submission:

Labcorp Genetics (formerly Invitae), Labcorp
Classification: Uncertain significance. Last evaluated: 2024-12-12. Review status: criteria provided, single submitter. Criteria: Invitae Variant Classification Sherloc (09022015). Collection method: clinical testing. Allele origin: germline.
Comment: This sequence change replaces glutamic acid, which is acidic and polar, with valine, which is neutral and non-polar, at codon 423 of the BACH2 protein (p.Glu423Val). This variant is present in population databases (no rsID available, gnomAD 0.003%). This variant has not been reported in the literature in individuals affected with BACH2-related conditions. Invitae Evidence Modeling of protein sequence and biophysical properties (such as structural, functional, and spatial information, amino acid conservation, physicochemical variation, residue mobility, and thermodynamic stability) indicates that this missense variant is expected to disrupt BACH2 protein function with a positive predictive value of 80%. In summary, the available evidence is currently insufficient to determine the role of this variant in disease. Therefore, it has been classified as a Variant of Uncertain Significance.

NM_021813.4(BACH2):c.1268A>T (p.Glu423Val)

Gene: BACH2 (BACH transcriptional regulator 2; minus strand). Cytogenetic location: 6q15.
Variant type: single nucleotide variant.
Coding change: c.1268A>T on transcript NM_021813.4 (MANE Select); coding-DNA position 1268, A replaced by T.
Protein change: p.Glu423Val; replaces glutamic acid 423 with valine.
Molecular consequence: missense variant.
Genome position (GRCh38, 1-based): chr6:89,950,838, T>A on the plus strand (A>T on the coding strand, the complement: BACH2 is on the minus strand). VCF-style: chr6-89950838-T-A. GRCh37 (hg19) VCF-style: chr6-90660557-T-A.
Other names: c.1268A>T, p.Glu423Val (NM_001170794.2); short protein forms E423V.
Identifiers: ClinVar variation 3711615 (VCV003711615.2).